The following is an entry in ClinVar:

ClinVar aggregate classification (germline): Pathogenic. Review status: criteria provided, multiple submitters, no conflicts (2 of 4 stars). 2 submissions from 2 submitters: Pathogenic (2). Last evaluated 2026-07-28.

Conditions:
Mevalonic aciduria (MEVA). Identifiers: Orphanet 29, MedGen C1959626, MONDO:0012481, OMIM 610377.
Porokeratosis 3, disseminated superficial actinic type (POROK3). Also called: POROKERATOSIS, DISSEMINATED SUPERFICIAL ACTINIC, 1; POROKERATOSIS 3, MULTIPLE TYPES; POROKERATOSIS 3, MIBELLI TYPE. Identifiers: MedGen C1867981, MONDO:0008293, OMIM 175900.
Hyperimmunoglobulin D with periodic fever (HIDS). Also called: HYPERIMMUNOGLOBULINEMIA D AND PERIODIC FEVER SYNDROME; Hyperimmunoglobulinemia D; Hyperimmunoglobulinemia D with periodic fever. Identifiers: Orphanet 343, MedGen C0398691, MONDO:0009849, OMIM 260920.
Deficiency of mevalonate kinase. Also called: Mevalonate kinase deficiency. Identifiers: Orphanet 309025, MedGen C0342731, MONDO:0017708.

Submissions (2):

Department of Medical Genetics, Ordu University Medical School Training and Research Hospital
Classification: Pathogenic for Mevalonate kinase deficiency. Last evaluated: 2026-07-28. Review status: criteria provided, single submitter. Criteria: ACMG Guidelines, 2015. Collection method: clinical testing. Allele origin: unknown. Inheritance: Autosomal recessive inheritance. Affected: no. Observed: 1 variant allele, 1 heterozygote.
Comment: Frameshift variant, p.Leu70fs, in exon 3 of 11. The resulting premature termination codon lies well upstream of the 3'-terminal exon-exon junction and the transcript is predicted to undergo nonsense-mediated decay; loss of function is the established disease mechanism for MVK in mevalonate kinase deficiency (PVS1). Previously classified as pathogenic in ClinVar (VCV002938110).

Labcorp Genetics (formerly Invitae), Labcorp
Classification: Pathogenic for Mevalonic aciduria; Hyperimmunoglobulin D with periodic fever; Porokeratosis 3, disseminated superficial actinic type. Last evaluated: 2023-11-24. Review status: criteria provided, single submitter. Criteria: Invitae Variant Classification Sherloc (09022015). Collection method: clinical testing. Allele origin: germline.
Comment: This sequence change creates a premature translational stop signal (p.Leu70Glyfs*9) in the MVK gene. It is expected to result in an absent or disrupted protein product. Loss-of-function variants in MVK are known to be pathogenic (PMID: 16835861, 17105862, 23834120). This variant is not present in population databases (gnomAD no frequency). This premature translational stop signal has been observed in individual(s) with porokeratosis and/or clinical features of mevalonate kinase deficiency (PMID: 32441320, 33168400). This variant is also known as c.206_207delCA. For these reasons, this variant has been classified as Pathogenic.

Literature cited by the submitters: PubMed 16835861 (cited by Labcorp Genetics (formerly Invitae), Labcorp); PubMed 17105862 (cited by Labcorp Genetics (formerly Invitae), Labcorp); PubMed 23834120 (cited by Labcorp Genetics (formerly Invitae), Labcorp); PubMed 32441320 (cited by Labcorp Genetics (formerly Invitae), Labcorp); PubMed 33168400 (cited by Labcorp Genetics (formerly Invitae), Labcorp).

NM_000431.4(MVK):c.207_208del (p.Leu70fs)

Gene: MVK (mevalonate kinase; plus strand). Cytogenetic location: 12q24.11.
Variant type: Deletion.
Coding change: c.207_208del on transcript NM_000431.4 (MANE Select); coding-DNA positions 207 to 208, 2 bases deleted (AC; older notation c.207_208delAC).
Protein change: p.Leu70fs; shifts the reading frame from leucine 70.
Molecular consequence: frameshift variant. On other transcripts: 5 prime UTR variant (1), non-coding transcript variant (4).
Genome position (GRCh38, 1-based): chr12:109,576,126-109,576,127, AC deleted; deleting any 2 consecutive bases within chr12:109,576,125-109,576,127 gives the same sequence; the c. name uses the placement nearest the transcript's 3' end. VCF-style (leftmost placement, unchanged base first): chr12-109576124-TCA-T. GRCh37 (hg19) VCF-style: chr12-110013929-TCA-T.
Other names: c.207_208del, p.Leu70fs (NM_001114185.3, NM_001301182.2, NM_001414511.1 and 3 more transcripts); c.-376_-375del (NM_001414515.1); short protein forms L70fs.
Identifiers: ClinVar variation 2938110 (VCV002938110.4), dbSNP rs2548618895, ClinGen allele CA2620813701.